The following is an entry in ClinVar:

NM_000038.6(APC):c.8218C>A (p.Pro2740Thr)

Gene: APC (APC regulator of Wnt signaling pathway; plus strand). Cytogenetic location: 5q22.2.
Variant type: single nucleotide variant.
Coding change: c.8218C>A on transcript NM_000038.6 (MANE Select); coding-DNA position 8218, C replaced by A.
Protein change: p.Pro2740Thr; replaces proline 2740 with threonine.
Molecular consequence: missense variant.
Genome position (GRCh38, 1-based): chr5:112,843,812, C>A. VCF-style: chr5-112843812-C-A. GRCh37 (hg19) VCF-style: chr5-112179509-C-A.
Other names: c.8218C>A, p.Pro2740Thr (NM_001127510.3, NM_001354895.2); c.8164C>A, p.Pro2722Thr (NM_001127511.3); c.8272C>A, p.Pro2758Thr (NM_001354896.2); c.8248C>A, p.Pro2750Thr (NM_001354897.2); c.8143C>A, p.Pro2715Thr (NM_001354898.2); c.8134C>A, p.Pro2712Thr (NM_001354899.2); c.8095C>A, p.Pro2699Thr (NM_001354900.2); c.8041C>A, p.Pro2681Thr (NM_001354901.2); and 5 more; short protein forms P2639T, P2722T, P2681T, P2758T, P2457T, P2580T, P2649T, P2699T.
Identifiers: ClinVar variation 657257 (VCV000657257.10), dbSNP rs771591963, ClinGen allele CA16039171.

ClinVar aggregate classification (germline): Uncertain significance (1 of 4 stars; one submission).

Conditions:
Familial adenomatous polyposis 1 (FAP1). Also called: FAMILIAL ADENOMATOUS POLYPOSIS 1, ATTENUATED; POLYPOSIS, ADENOMATOUS INTESTINAL. Identifiers: MedGen C2713442, MONDO:0021056, OMIM 175100. Disease mechanism: loss of function.

Submission:

Labcorp Genetics (formerly Invitae), Labcorp
Classification: Uncertain significance for Familial adenomatous polyposis 1. Last evaluated: 2022-03-26. Review status: criteria provided, single submitter. Criteria: Invitae Variant Classification Sherloc (09022015). Collection method: clinical testing. Allele origin: germline.
Comment: This variant has not been reported in the literature in individuals affected with APC-related conditions. In summary, the available evidence is currently insufficient to determine the role of this variant in disease. Therefore, it has been classified as a Variant of Uncertain Significance. Algorithms developed to predict the effect of missense changes on protein structure and function (SIFT, PolyPhen-2, Align-GVGD) all suggest that this variant is likely to be tolerated. ClinVar contains an entry for this variant (Variation ID: 657257). This variant is not present in population databases (gnomAD no frequency). This sequence change replaces proline, which is neutral and non-polar, with threonine, which is neutral and polar, at codon 2740 of the APC protein (p.Pro2740Thr).